The following is an entry in ClinVar:

NM_000661.5(RPL9):c.473-3T>A

Gene: RPL9 (ribosomal protein L9; minus strand). Cytogenetic location: 4p14.
Variant type: single nucleotide variant.
Coding change: c.473-3T>A on transcript NM_000661.5 (MANE Select); 3 bases into the intron before coding-DNA position 473, T replaced by A.
Molecular consequence: intron variant.
Genome position (GRCh38, 1-based): chr4:39,454,652, A>T on the plus strand (T>A on the coding strand, the complement: RPL9 is on the minus strand). VCF-style: chr4-39454652-A-T. GRCh37 (hg19) VCF-style: chr4-39456272-A-T.
Other names: c.473-3T>A (NM_001024921.4).
Identifiers: ClinVar variation 3710471 (VCV003710471.2).

ClinVar aggregate classification (germline): Uncertain significance (1 of 4 stars; one submission).

Submission:

Labcorp Genetics (formerly Invitae), Labcorp
Classification: Uncertain significance. Last evaluated: 2024-08-04. Review status: criteria provided, single submitter. Criteria: Invitae Variant Classification Sherloc (09022015). Collection method: clinical testing. Allele origin: germline.
Comment: This sequence change falls in intron 6 of the RPL9 gene. It does not directly change the encoded amino acid sequence of the RPL9 protein. It affects a nucleotide within the consensus splice site. This variant is not present in population databases (gnomAD no frequency). This variant has not been reported in the literature in individuals affected with RPL9-related conditions. Variants that disrupt the consensus splice site are a relatively common cause of aberrant splicing (PMID: 17576681, 9536098). Algorithms developed to predict the effect of sequence changes on RNA splicing suggest that this variant is not likely to affect RNA splicing. In summary, the available evidence is currently insufficient to determine the role of this variant in disease. Therefore, it has been classified as a Variant of Uncertain Significance.

Literature cited by the submitters: PubMed 17576681; PubMed 9536098.